The following is an entry in ClinVar:

ClinVar aggregate classification (germline): Uncertain significance. Review status: criteria provided, multiple submitters, no conflicts (2 of 4 stars). 2 submissions from 2 submitters: Uncertain significance (2). Last evaluated 2023-05-31.

Conditions:
Malignant hyperthermia, susceptibility to, 1 (MHS1). Also called: RYR1-Related Malignant Hyperthermia Susceptibility; Malignant hyperthermia suceptibility 1; Anesthesia related hyperthermia; Malignant hyperpyrexia; Fulminating hyperpyrexia; Pharmacogenic myopathy. Identifiers: Orphanet 423, MedGen C2930980, MONDO:0007783, OMIM 145600.
RYR1-related disorder. Also called: RYR1-related disorders; RYR1-related condition. Identifiers: MedGen CN239331.

Allele frequency attached by ClinVar (database versions not stated): gnomAD exomes below 0.00001; TOPMed below 0.00001.
gnomAD v4.1: 1 of 1,614,102 alleles (0.000062%); highest among the groups gnomAD compares: African/African-American, 0.0013%; no homozygotes.

Submissions (2):

All of Us Research Program, National Institutes of Health
Classification: Uncertain significance for Malignant hyperthermia, susceptibility to, 1. Last evaluated: 2023-05-31. Review status: criteria provided, single submitter. Criteria: ACMG Guidelines, 2015. Collection method: clinical testing. Allele origin: germline. Inheritance: Autosomal dominant inheritance. Observed: 1 variant allele, 1 heterozygote.
Comment: This study involves interpretation of variants in research participants for the purpose of population health screening. Participant phenotype was not available at the time of variant classification. Additional details can be found in publication PMID: 35346344, PMCID: PMC8962531

Labcorp Genetics (formerly Invitae), Labcorp
Classification: Uncertain significance for RYR1-related disorder. Last evaluated: 2023-02-21. Review status: criteria provided, single submitter. Criteria: Invitae Variant Classification Sherloc (09022015). Collection method: clinical testing. Allele origin: germline.
Comment: This sequence change replaces lysine, which is basic and polar, with glutamine, which is neutral and polar, at codon 3452 of the RYR1 protein (p.Lys3452Gln). In summary, the available evidence is currently insufficient to determine the role of this variant in disease. Therefore, it has been classified as a Variant of Uncertain Significance. Advanced modeling of protein sequence and biophysical properties (such as structural, functional, and spatial information, amino acid conservation, physicochemical variation, residue mobility, and thermodynamic stability) has been performed at Invitae for this missense variant, however the output from this modeling did not meet the statistical confidence thresholds required to predict the impact of this variant on RYR1 protein function. This missense change has been observed in individual(s) with clinical features of autosomal dominant RYR1-related conditions (PMID: 23329375). This variant is present in population databases (no rsID available, gnomAD 0.007%).

Literature cited by the submitters: PubMed 23329375 (cited by Labcorp Genetics (formerly Invitae), Labcorp).

NM_000540.3(RYR1):c.10354A>C (p.Lys3452Gln)

Gene: RYR1 (ryanodine receptor 1; plus strand). Cytogenetic location: 19q13.2.
Variant type: single nucleotide variant.
Coding change: c.10354A>C on transcript NM_000540.3 (MANE Select); coding-DNA position 10354, A replaced by C.
Protein change: p.Lys3452Gln; replaces lysine 3452 with glutamine.
Molecular consequence: missense variant.
Genome position (GRCh38, 1-based): chr19:38,523,223, A>C. VCF-style: chr19-38523223-A-C. GRCh37 (hg19) VCF-style: chr19-39013863-A-C.
Other names: c.10354A>C, p.Lys3452Gln (NM_001042723.2); short protein forms K3452Q.
Identifiers: ClinVar variation 2736882 (VCV002736882.3), dbSNP rs1216682431, ClinGen allele CA405699333.